The following is an entry in ClinVar:

ClinVar aggregate classification (germline): Pathogenic. Review status: criteria provided, multiple submitters, no conflicts (2 of 4 stars). 3 submissions from 3 submitters: Pathogenic (3). Last evaluated 2025-11-18.

Conditions:
Hereditary nonpolyposis colorectal neoplasms. Identifiers: MedGen C0009405, MeSH D003123.
Hereditary cancer-predisposing syndrome. Also called: Neoplastic Syndromes, Hereditary; Tumor predisposition; Hereditary Cancer Syndrome; Hereditary neoplastic syndrome. Identifiers: Orphanet 140162, MedGen C0027672, MeSH D009386, MONDO:0015356.
Lynch syndrome 5 (LYNCH5). Also called: Hereditary non-polyposis colorectal cancer, type 5; Colorectal cancer, hereditary nonpolyposis, type 5. Identifiers: Orphanet 144, MedGen C1833477, MONDO:0013710, OMIM 614350. Disease mechanism: loss of function.

Submissions (3):

Ambry Genetics
Classification: Pathogenic for Hereditary cancer-predisposing syndrome. Last evaluated: 2025-11-18. Review status: criteria provided, single submitter. Criteria: Ambry Variant Classification Scheme 2023. Collection method: clinical testing. Allele origin: germline.
Comment: The c.3720dupA pathogenic mutation, located in coding exon 8 of the MSH6 gene, results from a duplication of A at nucleotide position 3720, causing a translational frameshift with a predicted alternate stop codon (p.C1241Mfs*34). This variant is considered to be rare based on population cohorts in the Genome Aggregation Database (gnomAD). This alteration is expected to result in loss of function by premature protein truncation or nonsense-mediated mRNA decay. As such, this alteration is interpreted as a disease-causing mutation.

Genetics and Molecular Pathology, SA Pathology
Classification: Pathogenic for Lynch syndrome 5. Last evaluated: 2022-06-27. Review status: criteria provided, single submitter. Criteria: ACMG Guidelines, 2015. Collection method: clinical testing. Allele origin: germline. Inheritance: Autosomal dominant inheritance. Affected: yes.

Labcorp Genetics (formerly Invitae), Labcorp
Classification: Pathogenic for Hereditary nonpolyposis colorectal neoplasms. Last evaluated: 2021-04-09. Review status: criteria provided, single submitter. Criteria: Invitae Variant Classification Sherloc (09022015). Collection method: clinical testing. Allele origin: germline.
Comment: For these reasons, this variant has been classified as Pathogenic. This variant has not been reported in the literature in individuals with MSH6-related conditions. This variant is not present in population databases (ExAC no frequency). This sequence change creates a premature translational stop signal (p.Cys1241Metfs*34) in the MSH6 gene. It is expected to result in an absent or disrupted protein product. Loss-of-function variants in MSH6 are known to be pathogenic (PMID: 18269114, 24362816).

Literature cited by the submitters: PubMed 18269114 (cited by Labcorp Genetics (formerly Invitae), Labcorp); PubMed 24362816 (cited by Labcorp Genetics (formerly Invitae), Labcorp).

NM_000179.3(MSH6):c.3720dup (p.Cys1241fs)

Gene: MSH6 (mutS homolog 6; plus strand). Cytogenetic location: 2p16.3.
Variant type: Duplication.
Coding change: c.3720dup on transcript NM_000179.3 (MANE Select); coding-DNA position 3720, one base duplicated (A; older notation c.3720dupA).
Protein change: p.Cys1241fs; shifts the reading frame from cysteine 1241.
Molecular consequence: frameshift variant.
Genome position (GRCh38, 1-based): chr2:47,806,277, A duplicated; the last of 4 consecutive A bases (chr2:47,806,274-47,806,277); duplicating any one gives the same sequence. VCF-style (leftmost placement, unchanged base first): chr2-47806273-T-TA. GRCh37 (hg19) VCF-style: chr2-48033412-T-TA.
Other names: c.3330dup, p.Cys1111fs (NM_001281492.2); c.2814dup, p.Cys939fs (NM_001281493.2, NM_001281494.2); c.3720dupA (NM_000179.3); short protein forms C1241fs, C1111fs, C939fs.
Identifiers: ClinVar variation 1433761 (VCV001433761.10), dbSNP rs2104541388, ClinGen allele CA2573130185.